The following is an entry in ClinVar:

NM_001244008.2(KIF1A):c.1283G>A (p.Ser428Asn)

Gene: KIF1A (kinesin family member 1A; minus strand). Cytogenetic location: 2q37.3.
Variant type: single nucleotide variant.
Coding change: c.1283G>A on transcript NM_001244008.2 (MANE Select); coding-DNA position 1283, G replaced by A.
Protein change: p.Ser428Asn; replaces serine 428 with asparagine.
Molecular consequence: missense variant.
Genome position (GRCh38, 1-based): chr2:240,771,029, C>T on the plus strand (G>A on the coding strand, the complement: KIF1A is on the minus strand). VCF-style: chr2-240771029-C-T. GRCh37 (hg19) VCF-style: chr2-241710446-C-T.
Other names: c.1283G>A, p.Ser428Asn (NM_001320705.2, NM_001330289.2, NM_001379638.1); c.1358G>A, p.Ser453Asn (NM_001330290.2, NM_001379631.1, NM_001379634.1 and 2 more transcripts); c.1256G>A, p.Ser419Asn (NM_001379632.1, NM_001379633.1, NM_001379636.1 and 11 more transcripts); c.1331G>A, p.Ser444Asn (NM_001379637.1, NM_001379648.1); short protein forms S444N, S419N, S428N, S453N.
Identifiers: ClinVar variation 2335061 (VCV002335061.5), dbSNP rs1487080896, ClinGen allele CA351330525.

ClinVar aggregate classification (germline): Uncertain significance. Review status: criteria provided, multiple submitters, no conflicts (2 of 4 stars). 2 submissions from 2 submitters: Uncertain significance (2). Last evaluated 2024-02-16.

Conditions:
Neuropathy, hereditary sensory, type 2C. Also called: KIF1A-Related HSAN2 (HSAN2C); Hereditary sensory and autonomic neuropathy type IIC. Identifiers: Orphanet 970, MedGen C3280168, MONDO:0013634, OMIM 614213.
Intellectual disability, autosomal dominant 9 (NESCAVS). Also called: NESCAV SYNDROME; KIF1A-Related Neurodevelopmental Disorder. Identifiers: Orphanet 662367, MedGen C5393830, MONDO:0013656, OMIM 614255.
Hereditary spastic paraplegia 30. Identifiers: Orphanet 101010, MedGen C5235139, MONDO:0012476.
Inborn genetic diseases. Identifiers: MedGen C0950123, MeSH D030342.

Allele frequency attached by ClinVar (database versions not stated): gnomAD exomes below 0.00001.
gnomAD v4.1: 1 of 1,613,274 alleles (0.000062%); highest among the groups gnomAD compares: Non-Finnish European, 0.000085%; no homozygotes.

Submissions (2):

Labcorp Genetics (formerly Invitae), Labcorp
Classification: Uncertain significance for Hereditary spastic paraplegia 30; Neuropathy, hereditary sensory, type 2C; Intellectual disability, autosomal dominant 9. Last evaluated: 2024-02-16. Review status: criteria provided, single submitter. Criteria: Invitae Variant Classification Sherloc (09022015). Collection method: clinical testing. Allele origin: germline.
Comment: This sequence change replaces serine, which is neutral and polar, with asparagine, which is neutral and polar, at codon 419 of the KIF1A protein (p.Ser419Asn). This variant is present in population databases (no rsID available, gnomAD 0.0009%). This variant has not been reported in the literature in individuals affected with KIF1A-related conditions. ClinVar contains an entry for this variant (Variation ID: 2335061). Advanced modeling of protein sequence and biophysical properties (such as structural, functional, and spatial information, amino acid conservation, physicochemical variation, residue mobility, and thermodynamic stability) performed at Invitae indicates that this missense variant is expected to disrupt KIF1A protein function with a positive predictive value of 95%. In summary, the available evidence is currently insufficient to determine the role of this variant in disease. Therefore, it has been classified as a Variant of Uncertain Significance.

Ambry Genetics
Classification: Uncertain significance for Inborn genetic diseases. Last evaluated: 2022-12-19. Review status: criteria provided, single submitter. Criteria: Ambry Variant Classification Scheme 2023. Collection method: clinical testing. Allele origin: germline.
Comment: Hereditary sensory neuropathy type IIC (AR) does not currently meet published gene-disease clinical validity criteria for this gene (Smith, 2017) Based on insufficient or conflicting evidence, the clinical significance of this alteration remains unclear.

Literature cited by the submitters: PubMed 28106320 (cited by Ambry Genetics).